The following is an entry in ClinVar:

NM_206937.2(LIG4):c.1169GTA[1] (p.Ser391del)

Gene: LIG4 (DNA ligase 4; minus strand). Cytogenetic location: 13q33.3.
Variant type: Microsatellite.
Coding change: c.1169GTA[1] on transcript NM_206937.2 (MANE Select); one copy of the 3-base unit GTA starting at c.1169; the reference has two copies in a row; one copy, 3 bases deleted.
Protein change: p.Ser391del; deletes serine 391.
Molecular consequence: inframe deletion.
Genome position (GRCh38, 1-based): chr13:108,210,095-108,210,097, TAC deleted on the plus strand (GTA on the coding strand, the reverse complement: LIG4 is on the minus strand); deleting any 3 consecutive bases within chr13:108,210,095-108,210,102 gives the same sequence; the position shown is the placement nearest the transcript's 3' end. VCF-style (leftmost placement, unchanged base first): chr13-108210094-ATAC-A. GRCh37 (hg19) VCF-style: chr13-108862442-ATAC-A.
Other names: c.1169GTA[1], p.Ser391del (NM_001098268.2, NM_001352598.2, NM_001352599.2 and 6 more transcripts); c.968GTA[1], p.Ser324del (NM_001330595.2); c.1205GTA[1], p.Ser403del (NM_001352604.2); short protein forms S324del, S403del, S391del.
Identifiers: ClinVar variation 2172210 (VCV002172210.1), dbSNP rs775835184, ClinGen allele CA7043740.
Genomic context (GRCh38, chr13:108,210,094, plus strand): 5'-TTCTTAGTATGAGCTTGTGTTTTCTGCACTATTTCTATTCTACCTGGAATTGGTGTAAAA[ATAC>A]TACTAAGAATCTCATACCTCTTTCTCAGAGTCTCATGCCCTAGCTTTTTATTATTAACCA-3'

ClinVar aggregate classification (germline): Uncertain significance (1 of 4 stars; one submission).

Conditions:
DNA ligase IV deficiency. Identifiers: Orphanet 99812, MedGen C1847827, MONDO:0011686, OMIM 606593.

Submission:

Labcorp Genetics (formerly Invitae), Labcorp
Classification: Uncertain significance for DNA ligase IV deficiency. Last evaluated: 2022-05-24. Review status: criteria provided, single submitter. Criteria: Invitae Variant Classification Sherloc (09022015). Collection method: clinical testing. Allele origin: germline.
Comment: This variant, c.1172_1174del, results in the deletion of 1 amino acid(s) of the LIG4 protein (p.Ser391del), but otherwise preserves the integrity of the reading frame. This variant is present in population databases (rs775835184, gnomAD 0.004%). This variant has not been reported in the literature in individuals affected with LIG4-related conditions. Experimental studies and prediction algorithms are not available or were not evaluated, and the functional significance of this variant is currently unknown. In summary, the available evidence is currently insufficient to determine the role of this variant in disease. Therefore, it has been classified as a Variant of Uncertain Significance.